The following is an entry in ClinVar:

NM_000051.4(ATM):c.6321G>C (p.Met2107Ile)

Genes: ATM (ATM serine/threonine kinase; plus strand), C11orf65 (chromosome 11 open reading frame 65; minus strand). Cytogenetic location: 11q22.3.
Variant type: single nucleotide variant.
Coding change: c.6321G>C on transcript NM_000051.4 (MANE Select); coding-DNA position 6321, G replaced by C.
Protein change: p.Met2107Ile; replaces methionine 2107 with isoleucine.
Molecular consequence: missense variant. On other transcripts: intron variant (2).
Genome position (GRCh38, 1-based): chr11:108,317,495, G>C. VCF-style: chr11-108317495-G-C. GRCh37 (hg19) VCF-style: chr11-108188222-G-C.
Other names: c.6321G>C, p.Met2107Ile (NM_001351834.2); c.641-8424C>G (NM_001330368.2); c.*39-8424C>G (NM_001351110.2); short protein forms M2107I.
Identifiers: ClinVar variation 2169776 (VCV002169776.3), dbSNP rs765763407, ClinGen allele CA382552211.

ClinVar aggregate classification (germline): Uncertain significance (1 of 4 stars; one submission).

Conditions:
Ataxia-telangiectasia syndrome (AT). Also called: ATAXIA-TELANGIECTASIA, COMPLEMENTATION GROUP A; ATAXIA-TELANGIECTASIA, FRESNO VARIANT; Ataxia-telangiectasia; Ataxia-telangiectasia, complementation group E; LOUIS-BAR SYNDROME; Cerebello-oculocutaneous telangiectasia. Identifiers: Orphanet 100, MedGen C0004135, MONDO:0008840, OMIM 208900.

Submission:

Labcorp Genetics (formerly Invitae), Labcorp
Classification: Uncertain significance for Ataxia-telangiectasia syndrome. Last evaluated: 2022-09-19. Review status: criteria provided, single submitter. Criteria: Invitae Variant Classification Sherloc (09022015). Collection method: clinical testing. Allele origin: germline.
Comment: In summary, the available evidence is currently insufficient to determine the role of this variant in disease. Therefore, it has been classified as a Variant of Uncertain Significance. Algorithms developed to predict the effect of missense changes on protein structure and function (SIFT, PolyPhen-2, Align-GVGD) all suggest that this variant is likely to be tolerated. This variant has not been reported in the literature in individuals affected with ATM-related conditions. This variant is not present in population databases (gnomAD no frequency). This sequence change replaces methionine, which is neutral and non-polar, with isoleucine, which is neutral and non-polar, at codon 2107 of the ATM protein (p.Met2107Ile).